The following is an entry in ClinVar:

ClinVar aggregate classification (germline): Benign/Likely benign. Review status: criteria provided, multiple submitters, no conflicts (2 of 4 stars). 3 submissions from 3 submitters: Benign (1); Likely benign (2). Last evaluated 2024-12-01.

Allele frequency attached by ClinVar (database versions not stated): TOPMed 0.00007; gnomAD 0.00068 and 0.00072; ExAC 0.00082; gnomAD exomes 0.00091.
gnomAD v4.1: 711 of 1,612,956 alleles (0.044%); highest among the groups gnomAD compares: Non-Finnish European, 0.012%; 4 homozygotes.

Submissions (3):

CeGaT Center for Human Genetics Tuebingen
Classification: Likely benign. Last evaluated: 2024-12-01. Review status: criteria provided, single submitter. Criteria: CeGaT Center For Human Genetics Tuebingen Variant Classification Criteria Version 2. Collection method: clinical testing. Allele origin: germline. Affected: yes. Observed: 1 variant allele.
Comment: RTTN: BP4

Blueprint Genetics
Classification: Likely benign. Last evaluated: 2024-10-23. Review status: criteria provided, single submitter. Criteria: ACMG Guidelines, 2015. Collection method: clinical testing. Allele origin: germline.

Labcorp Genetics (formerly Invitae), Labcorp
Classification: Benign. Last evaluated: 2024-09-04. Review status: criteria provided, single submitter. Criteria: Invitae Variant Classification Sherloc (09022015). Collection method: clinical testing. Allele origin: germline.

NM_173630.4(RTTN):c.1766C>T (p.Pro589Leu)

Gene: RTTN (rotatin; minus strand). Cytogenetic location: 18q22.2.
Variant type: single nucleotide variant.
Coding change: c.1766C>T on transcript NM_173630.4 (MANE Select); coding-DNA position 1766, C replaced by T.
Protein change: p.Pro589Leu; replaces proline 589 with leucine.
Molecular consequence: missense variant. On other transcripts: 5 prime UTR variant (1).
Genome position (GRCh38, 1-based): chr18:70,166,955, G>A on the plus strand (C>T on the coding strand, the complement: RTTN is on the minus strand). VCF-style: chr18-70166955-G-A. GRCh37 (hg19) VCF-style: chr18-67834191-G-A.
Other names: c.-882C>T (NM_001318520.2); short protein forms P589L.
Identifiers: ClinVar variation 1623952 (VCV001623952.22), dbSNP rs199910005, ClinGen allele CA8996091.